The following is an entry in ClinVar:

ClinVar aggregate classification (germline): Uncertain significance (1 of 4 stars; one submission).

Conditions:
Gorlin syndrome. Also called: Nevoid Basal Cell Carcinoma Syndrome; Basal cell nevus syndrome. Identifiers: Orphanet 377, MedGen C0004779, MONDO:0007187.

Allele frequency attached by ClinVar (database versions not stated): gnomAD exomes below 0.00001.
gnomAD v4.1: 1 of 1,614,130 alleles (0.000062%); highest among the groups gnomAD compares: Admixed American, 0.0017%; no homozygotes.

Submission:

Labcorp Genetics (formerly Invitae), Labcorp
Classification: Uncertain significance for Gorlin syndrome. Last evaluated: 2020-07-27. Review status: criteria provided, single submitter. Criteria: Invitae Variant Classification Sherloc (09022015). Collection method: clinical testing. Allele origin: germline.
Comment: This sequence change replaces proline with leucine at codon 1399 of the PTCH1 protein (p.Pro1399Leu). The proline residue is moderately conserved and there is a moderate physicochemical difference between proline and leucine. This variant is not present in population databases (ExAC no frequency). This variant has not been reported in the literature in individuals with PTCH1-related conditions. Advanced modeling of protein sequence and biophysical properties (such as structural, functional, and spatial information, amino acid conservation, physicochemical variation, residue mobility, and thermodynamic stability) performed at Invitae indicates that this missense variant is not expected to disrupt PTCH1 protein function. In summary, the available evidence is currently insufficient to determine the role of this variant in disease. Therefore, it has been classified as a Variant of Uncertain Significance.

NM_000264.5(PTCH1):c.4196C>T (p.Pro1399Leu)

Gene: PTCH1 (patched 1; minus strand). Cytogenetic location: 9q22.32.
Variant type: single nucleotide variant.
Coding change: c.4196C>T on transcript NM_000264.5 (MANE Select); coding-DNA position 4196, C replaced by T.
Protein change: p.Pro1399Leu; replaces proline 1399 with leucine.
Molecular consequence: missense variant. On other transcripts: non-coding transcript variant (1).
Genome position (GRCh38, 1-based): chr9:95,447,060, G>A on the plus strand (C>T on the coding strand, the complement: PTCH1 is on the minus strand). VCF-style: chr9-95447060-G-A. GRCh37 (hg19) VCF-style: chr9-98209342-G-A.
Other names: c.3998C>T, p.Pro1333Leu (NM_001083602.3); c.4193C>T, p.Pro1398Leu (NM_001083603.3); c.3743C>T, p.Pro1248Leu (NM_001083604.3, NM_001083605.3, NM_001083606.3 and 1 more transcripts); c.4040C>T, p.Pro1347Leu (NM_001354918.2); short protein forms P1248L, P1333L, P1347L, P1398L, P1399L.
Identifiers: ClinVar variation 1000869 (VCV001000869.9), dbSNP rs1564004776, ClinGen allele CA374110139.
Genomic context (GRCh38, chr9:95,447,060, plus strand): 5'-CGGACGTGGAAAGGCACGTGGGGGTCCTCAAACAGGCCGTGGTCAGTCTCAGGGTAGCCT[G>A]GGCAGAGTCCCCCTCGGGGGTTCCGCCCAGGCCCAGGGACAGGCGGCGGGTGCACGGCGA-3'
Protein context (NP_000255.2, residues 1389-1409): PGRNPRGGLC[Pro1399Leu]GYPETDHGLF